The following is an entry in ClinVar:

NM_198576.4(AGRN):c.5108G>A (p.Arg1703His)

Gene: AGRN (agrin; plus strand). Cytogenetic location: 1p36.33.
Variant type: single nucleotide variant.
Coding change: c.5108G>A on transcript NM_198576.4 (MANE Select); coding-DNA position 5108, G replaced by A.
Protein change: p.Arg1703His; replaces arginine 1703 with histidine.
Molecular consequence: missense variant.
Genome position (GRCh38, 1-based): chr1:1,050,558, G>A. VCF-style: chr1-1050558-G-A. GRCh37 (hg19) VCF-style: chr1-985938-G-A.
Other names: c.5108G>A, p.Arg1703His (NM_001305275.2); c.4793G>A, p.Arg1598His (NM_001364727.2); short protein forms R1598H, R1703H.
Identifiers: ClinVar variation 1008221 (VCV001008221.6), dbSNP rs371946683, ClinGen allele CA509855.
Genomic context (GRCh38, chr1:1,050,558, plus strand): 5'-AGACGGACGGCAAGGGGGACTTCGTGTCGCTGGCACTGCGGGACCGCCGCCTGGAGTTCC[G>A]CTACGACCTGGGCAAGGGGGCAGCGGTCATCAGGTGGGCCGGCAAGGGTGGCTCTGGGAG-3'
Protein context (NP_940978.2, residues 1693-1713): LALRDRRLEF[Arg1703His]YDLGKGAAVI

ClinVar aggregate classification (germline): Uncertain significance (1 of 4 stars; one submission).

Conditions:
Congenital myasthenic syndrome 8. Also called: MYASTHENIC SYNDROME, CONGENITAL, DUE TO AGRIN DEFICIENCY; Myasthenic syndrome, congenital, 8, with pre- and postsynaptic defects. Identifiers: Orphanet 590, MedGen C3808739, MONDO:0014052, OMIM 615120.

Allele frequency attached by ClinVar (database versions not stated): TOPMed 0.00002.
gnomAD v4.1: 21 of 1,612,200 alleles (0.0013%); highest among the groups gnomAD compares: South Asian, 0.0044%; no homozygotes.

Submission:

Labcorp Genetics (formerly Invitae), Labcorp
Classification: Uncertain significance for Congenital myasthenic syndrome 8. Last evaluated: 2021-09-01. Review status: criteria provided, single submitter. Criteria: Invitae Variant Classification Sherloc (09022015). Collection method: clinical testing. Allele origin: germline.
Comment: This sequence change replaces arginine with histidine at codon 1703 of the AGRN protein (p.Arg1703His). The arginine residue is highly conserved and there is a small physicochemical difference between arginine and histidine. This variant is present in population databases (rs371946683, ExAC 0.02%). This variant has not been reported in the literature in individuals affected with AGRN-related conditions. Algorithms developed to predict the effect of missense changes on protein structure and function are either unavailable or do not agree on the potential impact of this missense change (SIFT: "Deleterious"; PolyPhen-2: "Probably Damaging"; Align-GVGD: "Class C0"). In summary, the available evidence is currently insufficient to determine the role of this variant in disease. Therefore, it has been classified as a Variant of Uncertain Significance.